The following is an entry in ClinVar:

NM_024105.4(ALG12):c.768+1del

Gene: ALG12 (ALG12 alpha-1,6-mannosyltransferase; minus strand). Cytogenetic location: 22q13.33.
Variant type: Deletion.
Coding change: c.768+1del on transcript NM_024105.4 (MANE Select); the canonical splice donor site of the intron after coding-DNA position 768, one base deleted (G; older notation c.768+1delG).
Molecular consequence: splice donor variant.
Genome position (GRCh38, 1-based): chr22:49,909,243, C deleted on the plus strand (G on the coding strand, the reverse complement: ALG12 is on the minus strand); the first of 6 consecutive C bases (chr22:49,909,243-49,909,248); deleting any one gives the same sequence. VCF-style (leftmost placement, unchanged base first): chr22-49909242-AC-A. GRCh37 (hg19) VCF-style: chr22-50302890-AC-A.
Identifiers: ClinVar variation 5006507 (VCV005006507.2).
Genomic context (GRCh38, chr22:49,909,242, plus strand): 5'-GGCCCAGGAGATGTGGCTGCAGGTCCCACCCATCGCCCTCCTGCACGGACACTGAAGGAT[AC>A]CCCCCAGTTGGAGCTTTTGTTCAGGACAGTGTTGTACCAAAGCACCTTTCCTTCCGGCCA-3'

ClinVar aggregate classification (germline): Likely pathogenic (1 of 4 stars; one submission).

Conditions:
ALG12-congenital disorder of glycosylation (CDG1G). Also called: CDG Ig; ALG12-CDG; Congenital disorder of glycosylation, type Ig. Identifiers: Orphanet 79324, MedGen C2931001, MONDO:0011783, OMIM 607143.

Submission:

Juno Genomics, Hangzhou Juno Genomics, Inc
Classification: Likely pathogenic for ALG12-congenital disorder of glycosylation. Review status: criteria provided, single submitter. Criteria: ACMG Guidelines, 2015. Collection method: clinical testing. Allele origin: germline.
Comment: Null variant in a gene where loss of function (LOF) is a known mechanism of disease.;Absent from controls (or at extremely low frequency if recessive) in Genome Aggregation Database.